The following is an entry in ClinVar:

ClinVar aggregate classification (germline): Pathogenic (1 of 4 stars; one submission).

Conditions:
Developmental and epileptic encephalopathy, 1 (DEE1). Also called: Epileptic encephalopathy, early infantile, 1; X-linked infantile spasms; West's syndrome; Tonic spasms with clustering, arrest of psychomotor development and hypsarrhythmia on EEG; X-Linked Infantile Spasm Syndrome; OHTAHARA SYNDROME, X-LINKED. Identifiers: MedGen C3463992, MONDO:0010632, OMIM 308350. Disease mechanism: loss of function.
Autosomal recessive spinocerebellar ataxia 12. Also called: SPINOCEREBELLAR ATAXIA WITH MENTAL RETARDATION AND EPILEPSY. Identifiers: Orphanet 284282, MedGen C3280452, MONDO:0013687, OMIM 614322.

Submission:

Labcorp Genetics (formerly Invitae), Labcorp
Classification: Pathogenic for Developmental and epileptic encephalopathy, 1; Autosomal recessive spinocerebellar ataxia 12. Last evaluated: 2025-07-14. Review status: criteria provided, single submitter. Criteria: Invitae Variant Classification Sherloc (09022015). Collection method: clinical testing. Allele origin: germline.
Comment: This sequence change creates a premature translational stop signal (p.Thr38Ilefs*44) in the WWOX gene. It is expected to result in an absent or disrupted protein product. Loss-of-function variants in WWOX are known to be pathogenic (PMID: 24456803, 25411445). This variant is not present in population databases (gnomAD no frequency). This variant has not been reported in the literature in individuals affected with WWOX-related conditions. ClinVar contains an entry for this variant (Variation ID: 1938931). Algorithms developed to predict the effect of sequence changes on RNA splicing suggest that this variant may disrupt the consensus splice site. For these reasons, this variant has been classified as Pathogenic.

Literature cited by the submitters: PubMed 24456803; PubMed 25411445.

NM_016373.4(WWOX):c.108_112dup (p.Thr38fs)

Gene: WWOX (WW domain containing oxidoreductase; plus strand). Cytogenetic location: 16q23.1.
Variant type: Duplication.
Coding change: c.108_112dup on transcript NM_016373.4 (MANE Select); coding-DNA positions 108 to 112, 5 bases duplicated (TCACA; older notation c.108_112dupTCACA).
Protein change: p.Thr38fs; shifts the reading frame from threonine 38.
Molecular consequence: frameshift variant. On other transcripts: non-coding transcript variant (1), intron variant (1).
Genome position (GRCh38, 1-based): chr16:78,108,423-78,108,427, TCACA duplicated. VCF-style (leftmost placement, unchanged base first): chr16-78108422-G-GTCACA. GRCh37 (hg19) VCF-style: chr16-78142319-G-GTCACA.
Other names: c.108_112dup, p.Thr38fs (NM_130791.5); c.-167-1355_-167-1351dup (NM_001291997.2); short protein forms T38fs.
Identifiers: ClinVar variation 1938931 (VCV001938931.5), dbSNP rs2032287989, ClinGen allele CA2234901756.